The following is an entry in ClinVar:

ClinVar aggregate classification (germline): Pathogenic (1 of 4 stars; one submission).

Conditions:
Hereditary angioedema type 1 (HAE1). Identifiers: Orphanet 100050, Orphanet 100051, Orphanet 91378, MedGen C2717906, MONDO:0015053, OMIM 106100.

Submission:

DNA-diagnostics Laboratory, Research Centre For Medical Genetics
Classification: Pathogenic for Hereditary angioedema type 1. Last evaluated: 2024-07-20. Review status: criteria provided, single submitter. Criteria: ACMG Guidelines, 2015. Collection method: research. Allele origin: germline. Inheritance: Autosomal dominant inheritance. Affected: yes. Observed: 1 heterozygote.
Comment: According to our observation and the published information of Xu et all, 2020, the c.44delT variant in SERPING1 meets ACMG/ClinGen SVI guidance criteria to be classified as pathogenic: PVS1, PS4_Mod, PP4_Mod, PM2_Sup

Literature cited by the submitters: PubMed 33292549.

NM_000062.3(SERPING1):c.44del (p.Leu15fs)

Gene: SERPING1 (serpin family G member 1; plus strand). Cytogenetic location: 11q12.1.
Variant type: Deletion.
Coding change: c.44del on transcript NM_000062.3 (MANE Select); coding-DNA position 44, one base deleted (T; older notation c.44delT).
Protein change: p.Leu15fs; shifts the reading frame from leucine 15.
Molecular consequence: frameshift variant.
Genome position (GRCh38, 1-based): chr11:57,598,314, T deleted. VCF-style (leftmost placement, unchanged base first): chr11-57598313-CT-C. GRCh37 (hg19) VCF-style: chr11-57365786-CT-C.
Other names: c.44del, p.Leu15fs (NM_001032295.2); c.44delT (NM_000062.3); short protein forms L15fs.
Identifiers: ClinVar variation 3255481 (VCV003255481.2), dbSNP rs2495421134.